The following is an entry in ClinVar:

ClinVar aggregate classification (germline): Uncertain significance. Review status: criteria provided, multiple submitters, no conflicts (2 of 4 stars). 2 submissions from 2 submitters: Uncertain significance (2). Last evaluated 2026-03-24.

Allele frequency attached by ClinVar (database versions not stated): gnomAD exomes below 0.00001.
gnomAD v4.1: 1 of 1,551,500 alleles (0.000064%); no homozygotes.

Submissions (2):

GeneDx
Classification: Uncertain significance. Last evaluated: 2026-03-24. Review status: criteria provided, single submitter. Criteria: GeneDx Variant Classification Process June 2021. Collection method: clinical testing. Allele origin: germline.
Comment: Not observed at significant frequency in large population cohorts (gnomAD); In silico analysis supports that this missense variant has a deleterious effect on protein structure/function; Has not been previously published as pathogenic or benign to our knowledge

Dasa
Classification: Uncertain significance. Last evaluated: 2025-11-29. Review status: criteria provided, single submitter. Criteria: DASA Assertion Criteria. Collection method: clinical testing. Allele origin: germline.
Comment: NM_020928.2(ZSWIM6):c.761G>A (p.Arg254His) is a missense variant that results in the substitution of arginine with histidine. This variant is rare in population databases. Computational prediction algorithms are consistent with a deleterious effect. The currently available literature and clinical evidence are not sufficient to establish a definitive association between this variant and the reported condition. Therefore, this variant is classified as a variant of uncertain significance.

NM_020928.2(ZSWIM6):c.761G>A (p.Arg254His)

Gene: ZSWIM6 (zinc finger SWIM-type containing 6; plus strand). Cytogenetic location: 5q12.1.
Variant type: single nucleotide variant.
Coding change: c.761G>A on transcript NM_020928.2 (MANE Select); coding-DNA position 761, G replaced by A.
Protein change: p.Arg254His; replaces arginine 254 with histidine.
Molecular consequence: missense variant.
Genome position (GRCh38, 1-based): chr5:61,472,765, G>A. VCF-style: chr5-61472765-G-A. GRCh37 (hg19) VCF-style: chr5-60768592-G-A.
Other names: short protein forms R254H.
Identifiers: ClinVar variation 2662762 (VCV002662762.4), dbSNP rs1747605011, ClinGen allele CA359941414.
Genomic context (GRCh38, chr5:61,472,765, plus strand): 5'-CAGAACCTGCAATACAATCGGAGCCAGAAACTGTTTGCAACGTGGCCATCAGCTTTGATC[G>A]TTGCAAGATTACCTCAGTGACCTGCAGCTGTGGAAACAAGGACATATTTTATTGTGCCCA-3'
Protein context (NP_065979.1, residues 244-264): TVCNVAISFD[Arg254His]CKITSVTCSC